The following is an entry in ClinVar:

ClinVar aggregate classification (germline): Conflicting classifications of pathogenicity. Review status: criteria provided, conflicting classifications (1 of 4 stars). 2 submissions from 2 submitters: Likely pathogenic (1); Uncertain significance (1). Last evaluated 2022-02-04.

Conditions:
STAT3 gain of function. Identifiers: MedGen C4288261.
Hyper-IgE recurrent infection syndrome 1, autosomal dominant. Also called: Job's Syndrome; STAT3 Hyper IgE Syndrome; HYPER-IgE SYNDROME 1, AUTOSOMAL DOMINANT, WITH RECURRENT INFECTIONS; JOB SYNDROME; Hyper-IgE recurrent infection syndrome 1. Identifiers: Orphanet 2314, MedGen C2936739, MONDO:0007818, OMIM 147060.

Submissions (2):

Labcorp Genetics (formerly Invitae), Labcorp
Classification: Uncertain significance for STAT3 gain of function; Hyper-IgE recurrent infection syndrome 1, autosomal dominant. Last evaluated: 2022-02-04. Review status: criteria provided, single submitter. Criteria: Invitae Variant Classification Sherloc (09022015). Collection method: clinical testing. Allele origin: germline.
Comment: In summary, the available evidence is currently insufficient to determine the role of this variant in disease. Therefore, it has been classified as a Variant of Uncertain Significance. This variant disrupts the p.Lys591 amino acid residue in STAT3. Other variant(s) that disrupt this residue have been observed in individuals with STAT3-related conditions (PMID: 20159255), which suggests that this may be a clinically significant amino acid residue. Advanced modeling of protein sequence and biophysical properties (such as structural, functional, and spatial information, amino acid conservation, physicochemical variation, residue mobility, and thermodynamic stability) performed at Invitae indicates that this missense variant is expected to disrupt STAT3 protein function. ClinVar contains an entry for this variant (Variation ID: 36788). This missense change has been observed in individual(s) with hyper-IgE syndrome (PMID: 22126402). This variant is not present in population databases (gnomAD no frequency). This sequence change replaces lysine, which is basic and polar, with methionine, which is neutral and non-polar, at codon 591 of the STAT3 protein (p.Lys591Met).

Women's Health and Genetics/Laboratory Corporation of America, LabCorp
Classification: Likely pathogenic for Hyper IgE Syndrome. Last evaluated: 2011-08-18. Review status: criteria provided, single submitter. Criteria: LabCorp Variant Classification Summary - May 2015. Collection method: curation, clinical testing. Allele origin: germline. Inheritance: autosomal unknown. Affected: yes.
ClinVar note: Converted during submission from likely pathogenic to Likely pathogenic.

Literature cited by the submitters: PubMed 20159255 (cited by Labcorp Genetics (formerly Invitae), Labcorp); PubMed 22126402 (cited by Labcorp Genetics (formerly Invitae), Labcorp).

NM_139276.3(STAT3):c.1772A>T (p.Lys591Met)

Gene: STAT3 (signal transducer and activator of transcription 3; minus strand). Cytogenetic location: 17q21.2.
Variant type: single nucleotide variant.
Coding change: c.1772A>T on transcript NM_139276.3 (MANE Select); coding-DNA position 1772, A replaced by T.
Protein change: p.Lys591Met; replaces lysine 591 with methionine.
Molecular consequence: missense variant.
Genome position (GRCh38, 1-based): chr17:42,323,120, T>A on the plus strand (A>T on the coding strand, the complement: STAT3 is on the minus strand). VCF-style: chr17-42323120-T-A. GRCh37 (hg19) VCF-style: chr17-40475138-T-A.
Other names: c.1772A>T, p.Lys591Met (NM_001369512.1, NM_001369513.1, NM_001369514.1 and 9 more transcripts); c.1688A>T, p.Lys563Met (NM_001384984.1); c.1694A>T, p.Lys565Met (NM_001384985.1); c.1787A>T, p.Lys596Met (NM_001384986.1, NM_001384990.1); c.1751A>T, p.Lys584Met (NM_001384987.1); c.1676A>T, p.Lys559Met (NM_001384989.1); c.1745A>T, p.Lys582Met (NM_001384991.1); c.1712A>T, p.Lys571Met (NM_001384992.1); short protein forms K591M, K559M, K563M, K565M, K571M, K582M, K584M, K596M.
Identifiers: ClinVar variation 36788 (VCV000036788.8), dbSNP rs193922719, ClinGen allele CA260540.
Genomic context (GRCh38, chr17:42,323,120, plus strand): 5'-CTGAATCTTAGCAGGAAGGTGCCTGGAGGCTTAGTGCTCAAGATGGCCCGCTCCCGCTCC[T>A]TACTGATAAAGCCCATGATGTACCTGGAGCCAAGGAGGAGGAACAATGTTGTTATTGCTA-3'
Protein context (NP_644805.1, residues 581-601): NEGYIMGFIS[Lys591Met]ERERAILSTK